The following is an entry in ClinVar:

NM_080680.3(COL11A2):c.1360-7A>C

Gene: COL11A2 (collagen type XI alpha 2 chain; minus strand). Cytogenetic location: 6p21.32.
Variant type: single nucleotide variant.
Coding change: c.1360-7A>C on transcript NM_080680.3 (MANE Select); 7 bases into the intron before coding-DNA position 1360, A replaced by C.
Molecular consequence: intron variant.
Genome position (GRCh38, 1-based): chr6:33,179,812, T>G on the plus strand (A>C on the coding strand, the complement: COL11A2 is on the minus strand). VCF-style: chr6-33179812-T-G. GRCh37 (hg19) VCF-style: chr6-33147589-T-G.
Other names: c.1039-7A>C (NM_080679.3); c.1102-7A>C (NM_080681.3).
Identifiers: ClinVar variation 46555 (VCV000046555.31), dbSNP rs3129201, ClinGen allele CA138613.

ClinVar aggregate classification (germline): Benign. Review status: criteria provided, multiple submitters, no conflicts (2 of 4 stars). 18 submissions from 13 submitters: Benign (14). 4 of the submissions do not count toward it. Last evaluated 2026-05-08.

Conditions:
Fibrochondrogenesis 2 (FBCG2). Identifiers: Orphanet 2021, MedGen C3281128, MONDO:0013795, OMIM 614524.
Otospondylomegaepiphyseal dysplasia, autosomal dominant (OSMEDA). Also called: COL11A2-Related Stickler Syndrome; Stickler syndrome, type 3; Pierre Robin syndrome with fetal chondrodysplasia. Identifiers: Orphanet 166100, Orphanet 3450, MedGen C1848488, MONDO:0008490, OMIM 184840.
Autosomal recessive nonsyndromic hearing loss 53. Identifiers: Orphanet 90636, MedGen C1864746, MONDO:0012333, OMIM 609706.
Autosomal dominant nonsyndromic hearing loss 13. Identifiers: Orphanet 90635, MedGen C1866095, MONDO:0011159, OMIM 601868.
Otospondylomegaepiphyseal dysplasia, autosomal recessive (OSMEDB). Also called: CHONDRODYSTROPHY WITH SENSORINEURAL DEAFNESS; Insley-Astley syndrome. Identifiers: Orphanet 1427, MedGen CN034493, MONDO:0044206, OMIM 215150.

Allele frequency attached by ClinVar (database versions not stated): gnomAD 0.99999; 1000 Genomes Project 1.00000; 1000 Genomes Project 30x 1.00000; ExAC 1.00000; gnomAD exomes 1.00000; TOPMed 1.00000.
gnomAD v4.1: 1,609,415 of 1,609,422 alleles (100%); highest among the groups gnomAD compares: Middle Eastern, 100%; 804,704 homozygotes.

Submissions (18):

Women's Health and Genetics/Laboratory Corporation of America, LabCorp
Classification: Benign. Last evaluated: 2026-05-08. Review status: criteria provided, single submitter. Criteria: LabCorp Variant Classification Summary - May 2015. Collection method: clinical testing. Allele origin: germline.

Labcorp Genetics (formerly Invitae), Labcorp
Classification: Benign. Last evaluated: 2026-02-04. Review status: criteria provided, single submitter. Criteria: Invitae Variant Classification Sherloc (09022015). Collection method: clinical testing. Allele origin: germline.

Blueprint Genetics
Classification: Benign. Last evaluated: 2024-11-27. Review status: criteria provided, single submitter. Criteria: ACMG Guidelines, 2015. Collection method: clinical testing. Allele origin: germline.

Genome-Nilou Lab
Classification: Benign for Autosomal dominant nonsyndromic hearing loss 13. Last evaluated: 2021-07-22. Review status: criteria provided, single submitter. Criteria: ACMG Guidelines, 2015. Collection method: clinical testing. Allele origin: germline. Affected: no.

Genome-Nilou Lab
Classification: Benign for Autosomal recessive nonsyndromic hearing loss 53. Last evaluated: 2021-07-22. Review status: criteria provided, single submitter. Criteria: ACMG Guidelines, 2015. Collection method: clinical testing. Allele origin: germline. Affected: no.

Genome-Nilou Lab
Classification: Benign for Fibrochondrogenesis 2. Last evaluated: 2021-07-22. Review status: criteria provided, single submitter. Criteria: ACMG Guidelines, 2015. Collection method: clinical testing. Allele origin: germline. Affected: no.

Genome-Nilou Lab
Classification: Benign for Otospondylomegaepiphyseal dysplasia, autosomal dominant. Last evaluated: 2021-07-22. Review status: criteria provided, single submitter. Criteria: ACMG Guidelines, 2015. Collection method: clinical testing. Allele origin: germline. Affected: no.

Genome-Nilou Lab
Classification: Benign for Otospondylomegaepiphyseal dysplasia, autosomal recessive. Last evaluated: 2021-07-22. Review status: criteria provided, single submitter. Criteria: ACMG Guidelines, 2015. Collection method: clinical testing. Allele origin: germline. Affected: no.

Eurofins Ntd Llc (ga)
Classification: Benign. Last evaluated: 2018-06-26. Review status: criteria provided, single submitter. Criteria: EGL ClinVar v180209 classification definitions. Collection method: clinical testing. Allele origin: germline. Observed: 2 variant alleles, 2 homozygotes.

Illumina Laboratory Services, Illumina
Classification: Benign for Otospondylomegaepiphyseal dysplasia, autosomal recessive. Last evaluated: 2018-01-13. Review status: criteria provided, single submitter. Criteria: ICSL Variant Classification Criteria 13 December 2019. Collection method: clinical testing. Allele origin: germline.
Comment: This variant was observed in the ICSL laboratory as part of a predisposition screen in an ostensibly healthy population. It had not been previously curated by ICSL or reported in the Human Gene Mutation Database (HGMD: prior to June 1st, 2018), and was therefore a candidate for classification through an automated scoring system. Utilizing variant allele frequency, disease prevalence and penetrance estimates, and inheritance mode, an automated score was calculated to assess if this variant is too frequent to cause the disease. Based on the score and internal cut-off values, a variant classified as benign is not then subjected to further curation. The score for this variant resulted in a classification of benign for this disease.

Illumina Laboratory Services, Illumina
Classification: Benign for Fibrochondrogenesis 2. Last evaluated: 2018-01-13. Review status: criteria provided, single submitter. Criteria: ICSL Variant Classification Criteria 13 December 2019. Collection method: clinical testing. Allele origin: germline.
Comment: the same text as in the submission from Illumina Laboratory Services, Illumina above.

GeneDx
Classification: Benign. Last evaluated: 2016-09-29. Review status: criteria provided, single submitter. Criteria: GeneDx Variant Classification (06012015). Collection method: clinical testing. Allele origin: germline. Affected: yes.
Comment: This variant is considered likely benign or benign based on one or more of the following criteria: it is a conservative change, it occurs at a poorly conserved position in the protein, it is predicted to be benign by multiple in silico algorithms, and/or has population frequency not consistent with disease.

Laboratory for Molecular Medicine, Mass General Brigham Personalized Medicine
Classification: Benign. Last evaluated: 2012-11-20. Review status: criteria provided, single submitter. Criteria: LMM Criteria. Collection method: clinical testing. Allele origin: germline. Observed: 1,439 variant alleles.

PreventionGenetics, part of Exact Sciences
Classification: Benign. Review status: criteria provided, single submitter. Criteria: ACMG Guidelines, 2015. Collection method: clinical testing. Allele origin: germline.

Clinical Genetics DNA and cytogenetics Diagnostics Lab, Erasmus MC, Erasmus Medical Center
Classification: Benign. Review status: no assertion criteria provided. Collection method: clinical testing. Allele origin: germline. Affected: yes. Study: VKGL Data-share Consensus. Not counted in ClinVar's aggregate classification.

Diagnostic Laboratory, Department of Genetics, University Medical Center Groningen
Classification: Benign. Review status: no assertion criteria provided. Collection method: clinical testing. Allele origin: germline. Affected: yes. Study: VKGL Data-share Consensus. Not counted in ClinVar's aggregate classification.

Genome Diagnostics Laboratory, Amsterdam University Medical Center
Classification: Benign. Review status: no assertion criteria provided. Collection method: clinical testing. Allele origin: germline. Affected: yes. Study: VKGL Data-share Consensus. Not counted in ClinVar's aggregate classification.

Joint Genome Diagnostic Labs from Nijmegen and Maastricht, Radboudumc and MUMC+
Classification: Benign. Review status: no assertion criteria provided. Collection method: clinical testing. Allele origin: germline. Affected: yes. Study: VKGL Data-share Consensus. Not counted in ClinVar's aggregate classification.